The following is an entry in ClinVar:

NM_005188.4(CBL):c.2231T>G (p.Ile744Ser)

Gene: CBL (Cbl proto-oncogene; plus strand). Cytogenetic location: 11q23.3.
Variant type: single nucleotide variant.
Coding change: c.2231T>G on transcript NM_005188.4 (MANE Select); coding-DNA position 2231, T replaced by G.
Protein change: p.Ile744Ser; replaces isoleucine 744 with serine.
Molecular consequence: missense variant.
Genome position (GRCh38, 1-based): chr11:119,297,461, T>G. VCF-style: chr11-119297461-T-G. GRCh37 (hg19) VCF-style: chr11-119168171-T-G.
Other names: short protein forms I744S.
Identifiers: ClinVar variation 2059655 (VCV002059655.4), dbSNP rs1950072101, ClinGen allele CA382928569.
Genomic context (GRCh38, chr11:119,297,461, plus strand): 5'-AGCAGATTGATAGCTGTACGTATGAAGCAATGTATAATATTCAGTCCCAGGCGCCATCTA[T>G]CACCGAGAGCAGCACCTTTGGTAAGTTGCCATTCTGCTACTTTAAAAATCATTGATATGT-3'
Protein context (NP_005179.2, residues 734-754): MYNIQSQAPS[Ile744Ser]TESSTFGEGN

ClinVar aggregate classification (germline): Uncertain significance (1 of 4 stars; one submission).

Conditions:
RASopathy. Also called: rasopathies; Noonan spectrum disorder. Identifiers: Orphanet 536391, MedGen C5555857, MONDO:0021060.

Allele frequency attached by ClinVar (database versions not stated): TOPMed below 0.00001.

Submission:

Labcorp Genetics (formerly Invitae), Labcorp
Classification: Uncertain significance for RASopathy. Last evaluated: 2025-09-27. Review status: criteria provided, single submitter. Criteria: Invitae Variant Classification Sherloc (09022015). Collection method: clinical testing. Allele origin: germline.
Comment: This sequence change replaces isoleucine, which is neutral and non-polar, with serine, which is neutral and polar, at codon 744 of the CBL protein (p.Ile744Ser). This variant is not present in population databases (gnomAD no frequency). This variant has not been reported in the literature in individuals affected with CBL-related conditions. ClinVar contains an entry for this variant (Variation ID: 2059655). Invitae Evidence Modeling of protein sequence and biophysical properties (such as structural, functional, and spatial information, amino acid conservation, physicochemical variation, residue mobility, and thermodynamic stability) indicates that this missense variant is not expected to disrupt CBL protein function with a negative predictive value of 95%. In summary, the available evidence is currently insufficient to determine the role of this variant in disease. Therefore, it has been classified as a Variant of Uncertain Significance.